The following is an entry in ClinVar:

NM_031229.4(RBCK1):c.571G>A (p.Glu191Lys)

Gene: RBCK1 (RANBP2-type and C3HC4-type zinc finger containing 1; plus strand). Cytogenetic location: 20p13.
Variant type: single nucleotide variant.
Coding change: c.571G>A on transcript NM_031229.4 (MANE Select); coding-DNA position 571, G replaced by A.
Protein change: p.Glu191Lys; replaces glutamic acid 191 with lysine.
Molecular consequence: missense variant. On other transcripts: synonymous variant (2), non-coding transcript variant (1).
Genome position (GRCh38, 1-based): chr20:419,457, G>A. VCF-style: chr20-419457-G-A. GRCh37 (hg19) VCF-style: chr20-400101-G-A.
Other names: c.222G>A, p.Leu74= (NM_001323956.2, NM_001323958.2); c.622G>A, p.Glu208Lys (NM_001410770.1); c.445G>A, p.Glu149Lys (NM_006462.6); c.571G>A (NM_031229.2); short protein forms E191K, E149K, E208K.
Identifiers: ClinVar variation 2175007 (VCV002175007.2), dbSNP rs777259879, ClinGen allele CA9723123.

ClinVar aggregate classification (germline): Uncertain significance. Review status: criteria provided, multiple submitters, no conflicts (2 of 4 stars). 2 submissions from 2 submitters: Uncertain significance (2). Last evaluated 2024-08-28.

Conditions:
Inborn genetic diseases. Identifiers: MedGen C0950123, MeSH D030342.
Polyglucosan body myopathy type 1 (PGBM1). Also called: POLYGLUCOSAN BODY MYOPATHY WITHOUT IMMUNODEFICIENCY; Polyglucosan body myopathy 1 with or without immunodeficiency. Identifiers: Orphanet 329173, Orphanet 397937, MedGen C4014605, MONDO:0014389, OMIM 615895.

Allele frequency attached by ClinVar (database versions not stated): gnomAD 0.00001; gnomAD exomes 0.00001; ExAC 0.00003; TOPMed 0.00003.

Submissions (2):

Ambry Genetics
Classification: Uncertain significance for Inborn genetic diseases. Last evaluated: 2024-08-28. Review status: criteria provided, single submitter. Criteria: Ambry Variant Classification Scheme 2023. Collection method: clinical testing. Allele origin: germline.

Labcorp Genetics (formerly Invitae), Labcorp
Classification: Uncertain significance for Polyglucosan body myopathy type 1. Last evaluated: 2022-04-29. Review status: criteria provided, single submitter. Criteria: Invitae Variant Classification Sherloc (09022015). Collection method: clinical testing. Allele origin: germline.
Comment: This sequence change replaces glutamic acid, which is acidic and polar, with lysine, which is basic and polar, at codon 191 of the RBCK1 protein (p.Glu191Lys). This variant is present in population databases (rs777259879, gnomAD 0.04%). This variant has not been reported in the literature in individuals affected with RBCK1-related conditions. Algorithms developed to predict the effect of missense changes on protein structure and function are either unavailable or do not agree on the potential impact of this missense change (SIFT: "Not Available"; PolyPhen-2: "Benign"; Align-GVGD: "Not Available"). In summary, the available evidence is currently insufficient to determine the role of this variant in disease. Therefore, it has been classified as a Variant of Uncertain Significance.